The following is an entry in ClinVar:

NM_000152.5(GAA):c.2238G>C (p.Trp746Cys)

Gene: GAA (alpha glucosidase; plus strand). Cytogenetic location: 17q25.3.
Variant type: single nucleotide variant.
Coding change: c.2238G>C on transcript NM_000152.5 (MANE Select); coding-DNA position 2238, G replaced by C.
Protein change: p.Trp746Cys; replaces tryptophan 746 with cysteine.
Molecular consequence: missense variant.
Genome position (GRCh38, 1-based): chr17:80,117,016, G>C. VCF-style: chr17-80117016-G-C. GRCh37 (hg19) VCF-style: chr17-78090815-G-C.
Other names: NM_000152.3(GAA):c.2238G>C(p.Trp746Cys); NM_001079803.1(GAA):c.2238G>C(p.Trp746Cys); NM_001079804.1(GAA):c.2238G>C(p.Trp746Cys); c.2238G>C (NM_001079803.2, LRG_673t1); c.2238G>C, p.Trp746Cys (NM_001079803.3, NM_001079804.3); short protein forms W746C.
Identifiers: ClinVar variation 265160 (VCV000265160.101), dbSNP rs1800312, ClinGen allele CA8815665.
Genomic context (GRCh38, chr17:80,117,016, plus strand): 5'-TCCCCCTTGCAGGTTCCCCAAGGACTCTAGCACCTGGACTGTGGACCACCAGCTCCTGTG[G>C]GGGGAGGCCCTGCTCATCACCCCAGTGCTCCAGGCCGGGAAGGCCGAAGTGACTGGCTAC-3'
Protein context (NP_000143.2, residues 736-756): STWTVDHQLL[Trp746Cys]GEALLITPVL

ClinVar aggregate classification (germline): Pathogenic. Review status: reviewed by expert panel (3 of 4 stars). 32 submissions from 32 submitters: Pathogenic (1). 31 of the submissions do not count toward it. Last evaluated 2021-10-26.

Conditions:
GAA-related disorders.
GAA-related disorder. Also called: GAA-related condition.
Cardiovascular phenotype. Identifiers: MedGen CN230736.
Glycogen storage disease. Also called: glycogen storage disorder; Disorder of glycogen metabolism. Identifiers: Orphanet 79201, MedGen C0017919, MONDO:0002412.
Glycogen storage disease, type II (IOPD). Also called: Pompe Disease; CARDIOMEGALIA GLYCOGENICA DIFFUSA; Glucosidase acid-1,4-alpha deficiency; POMPE DISEASE, INFANTILE-ONSET; GLYCOGEN STORAGE DISEASE II, INFANTILE-ONSET; ACID ALPHA-GLUCOSIDASE DEFICIENCY, INFANTILE-ONSET. Identifiers: Orphanet 365, MedGen C0017921, MONDO:0009290, OMIM 232300.

Allele frequency attached by ClinVar (database versions not stated): ESP Exome Variant Server 0.00031; TOPMed 0.00039; 1000 Genomes Project 0.00040; 1000 Genomes Project 30x 0.00047.
gnomAD v4.1: 771 of 1,613,692 alleles (0.048%); highest among the groups gnomAD compares: Non-Finnish European, 0.061%; no homozygotes.

Submissions 1 to 5 of 32:

ClinGen Lysosomal Storage Disorder Variant Curation Expert Panel
Classification: Pathogenic for Glycogen storage disease, type II. Last evaluated: 2021-10-26. Review status: reviewed by expert panel. Criteria: clingen_lsd_acmg_specifications_v2-1. Collection method: curation. Allele origin: germline. Inheritance: Autosomal recessive inheritance.
Comment: The NM_000152.5:c.2238G>C variant in GAA is a missense variant predicted to cause substitution of tryptophan by cysteine at amino acid 746 (p.Trp746Cys). This variant is one of the most commonly reported variants in patients with late onset Pompe disease from East Asia (PMIDs 21757382, 31076647) and has been reported in more than 30 patients with Pompe disease (PMIDs 7981676, 18458862, 21232767, 21757382, 25093132, 25526786, 27099502, 27692865, 28433475, 29095275, 29120458, 30360039, 30897595). Because the variant often occurs in cis with pseudodeficiency variants, a conservative approach was taken when assessing data for PP4 and PM3. When pseudodeficiency variants were present or not confirmed to be absent, GAA deficiency was not used to apply PP4, and allelic data was not used for PM3 unless there was convincing evidence that the patient has Pompe disease in addition to GAA deficiency and molecular results. At least 7 Chinese patients have been reported to have the variant and were confirmed to not carry either of the pseudodeficiency variants that are common in East Asian populations (c.1726G>A (p.Gly576Ser) and c.2065G>A (p.Glu689Lys))(PMID 25526786). The patients all had documented laboratory values showing deficiency of GAA activity (PP4_Moderate). In addition, at least 4 patients with the variant and one or both pseudodeficiency variants were reported to have clinical features consistent with Pompe disease and improvements on enzyme replacement therapy (PMIDs 21232767, 25093132, 30360039). Of these patients, 8 were compound heterozygous for the variant and a GAA variant classified as pathogenic by the ClinGen LSD VCEP, phase unknown, including c.444C>G (p.Tyr148Ter), phase unknown, (PMID 25093132), c.1356delC (note that nomenclature in the paper is c.1355delC), phase unknown, (ClinVar SCV SCV001443295.1), c.1935C>A (p.Asp645Glu)(three patients, one confirmed in trans)(PMIDs 21232767, 25526786), c.2662G>T (p.Glu888Ter)(2 patients, one confirmed in trans)(ClinVar SCV001371767.1 (PMIDs 21232767, 25526786), and c.241C>T (p.Gln81Ter), phase unknown (ClinVar SCV001443296.1)(PMID 25526786)(PM3_Very Strong). The highest population minor allele frequency in gnomAD is 0.00057 (European non-Finnish) which is lower than the ClinGen LSD VCEP threshold (<0.001) for PM2, meeting this criterion (PM2_Supporting). When expressed in cultured cells, this variant has been reported to reduce GAA activity, ranging from 5-29% of the wild type activity (PMIDs 7981676, 21757382, 23430493)(PS3_Supporting). The computational predictor REVEL gives a score of 0.896, which is above the threshold of 0.7, evidence that correlates with impact to GAA function (PP3). Other missense substitutions at this amino acid position reported in patients with Pompe disease include c.2236T>C (p.Trp746Arg), c.2237G>C (p.Trp746Ser), and c.2237G>T (p.Trp746Leu). The classification for p.Trp746Cys will be used in the assessment of these other variants and therefore PM5 is not met here in order to avoid circular logic. There is a ClinVar entry for this variant (Variation ID: 265160; 2 star review status) with 14 submitters classifying the variant as pathogenic and two as likely pathogenic. In summary, this variant meets the criteria to be classified as pathogenic for Pompe disease. GAA-specific ACMG/AMP criteria met, as specified by the ClinGen LSD VCEP (Specifications Version 2.0): PM3_Very Strong, PP3, PP4_Moderate, PS3_Supporting, PM2_Supporting. (Classification approved by the ClinGen LSD VCEP - Oct. 19, 2021).

PreventionGenetics, part of Exact Sciences
Classification: Pathogenic for GAA-related condition. Last evaluated: 2026-09-22. Review status: criteria provided, single submitter. Criteria: ACMG Guidelines, 2015. Collection method: clinical testing. Allele origin: germline. Not counted in ClinVar's aggregate classification.
Comment: The GAA c.2238G>C variant is predicted to result in the amino acid substitution p.Trp746Cys. This variant has been reported, in the homozygous or compound heterozygous state, in numerous glycogen storage disease type II (GSD II) patients. In most cases, it has been associated with late-onset/juvenile-onset GSD II (e.g., Wan et al. 2008. PubMed ID: 18458862; Chien et al. 2011. PubMed ID: 21232767; Liu et al. 2018. PubMed ID: 29451150). It has been reported to be the most common late-onset Pompe disease (LOPD) variant among the mainland Chinese population (Liu et al. 2014. PubMed ID: 25526786). In functional studies, the p.Trp746Cys substitution has been reported to reduce GAA enzyme activity to ~5-10% of wild-type, and is typically considered a mild variant based on this level of residual enzyme activity (Huie et al. 1998. PubMed ID: 9535769; Yang et al. 2011. PubMed ID: 21757382; Niño et al. 2013. PubMed ID: 23430493). This variant is reported in 0.057% of alleles in individuals of European (Non-Finnish) descent in gnomAD. Different substitutions of the same amino acid (p.Trp746Arg, p.Trp746Gly, p.Trp746Ser) have also been reported in association with GSD II (Human Gene Mutation Database). The c.2238G>C (p.Trp746Cys) variant is interpreted as pathogenic.

Ambry Genetics
Classification: Pathogenic for Cardiovascular phenotype. Last evaluated: 2026-09-09. Review status: criteria provided, single submitter. Criteria: Ambry Variant Classification Scheme 2023. Collection method: clinical testing. Allele origin: germline. Not counted in ClinVar's aggregate classification.
Comment: The c.2238G>C (p.W746C) alteration is located in exon 16 (coding exon 15) of the GAA gene. This alteration results from a G to C substitution at nucleotide position 2238, causing the tryptophan (W) at amino acid position 746 to be replaced by a cysteine (C). Based on data from gnomAD, the C allele has an overall frequency of 0.031% (87/282232) total alleles studied. The highest observed frequency was 0.057% (73/128684) of European (non-Finnish) alleles. This alteration has been reported in the compound heterozygous and homozygous states in individuals with Pompe disease, mainly late onset disease (Wan, 2008; Chien, 2011; Yang, 2011; Fu Liong, 2014; Liu, 2014; Chu, 2016; Zhang, 2016; Lee, 2017; Park, 2017; Kim, 2019; Ficicioglu, 2020; Jia, 2020; Sudri&eacute;-Arnaud, 2021; Zhao, 2021; Si, 2022; Zhang, 2022). This amino acid position is highly conserved in available vertebrate species. This alteration has also been shown to reduce enzyme activity in both patient-derived cells and transfected cells (Ni&ntilde;o, 2013; Liu, 2018). This alteration is predicted to be deleterious by in silico analysis. Based on the available evidence, this alteration is classified as pathogenic.

CeGaT Center for Human Genetics Tuebingen
Classification: Pathogenic. Last evaluated: 2026-09-01. Review status: criteria provided, single submitter. Criteria: CeGaT Center For Human Genetics Tuebingen Variant Classification Criteria Version 2. Collection method: clinical testing. Allele origin: germline. Affected: yes. Observed: 8 variant alleles. Not counted in ClinVar's aggregate classification.
Comment: GAA: PM3:Very Strong, PM1, PM2, PP4:Moderate, PS3:Supporting

Genomenon, Inc
Classification: Pathogenic for Glycogen storage disease, type II. Last evaluated: 2026-07-01. Review status: criteria provided, single submitter. Criteria: Genomenon Sequence Variant Interpretation Standards - Updated. Collection method: curation. Allele origin: germline. Affected: yes. Not counted in ClinVar's aggregate classification.
Comment: GAA p.Trp746Cys (c.2238G>C) is a missense variant that changes the amino acid at codon 746 from Tryptophan to Cysteine. This variant has been observed in at least one proband with a GAA-related disorder in the compound heterozygous and/or homozygous state (PMID:39010129;38739391;36237614;36137614;35795986;35386406;35071497;34995642;34647686;33202836). At least one functional study has demonstrated a substantial alteration in protein function relative to the wild-type (PMID:9535769;7981676;21757382;23430493). It is absent or not present at a significant frequency in gnomAD. In silico models predict that this variant is possibly or probably damaging. In conclusion, we classify GAA p.Trp746Cys (c.2238G>C) as a pathogenic variant.